The following is an entry in ClinVar:

ClinVar aggregate classification (germline): Pathogenic/Likely pathogenic. Review status: criteria provided, multiple submitters, no conflicts (2 of 4 stars). 3 submissions from 3 submitters: Pathogenic (1); Likely pathogenic (2). Last evaluated 2024-03-31.

Conditions:
Zellweger spectrum disorders (ZS). Also called: Zellweger syndrome; Zellweger Spectrum Disorder (ZSD); Zellweger Spectrum Disorder; Zellweger Spectrum. Identifiers: Orphanet 912, MedGen C0043459, MONDO:0019609.
Peroxisome biogenesis disorder 6A (Zellweger). Also called: Peroxisome biogenesis disorder 6A. Identifiers: Orphanet 912, MedGen C3553947, MONDO:0013936, OMIM 614870.
Peroxisome biogenesis disorder, complementation group 7 (CG7). Also called: Peroxisome biogenesis disorder, complementation group B. Identifiers: MedGen C1864399.

Submissions (3):

Natera, Inc.
Classification: Likely pathogenic for Zellweger syndrome. Last evaluated: 2024-03-31. Review status: criteria provided, single submitter. Criteria: Natera Variant Classification Schema (03/2026). Collection method: clinical testing. Allele origin: germline.
Comment: The c.219C>G variant in PEX10 is a nonsense variant predicted to introduce a stop codon at amino acid 73. This variant is expected to result in nonsense mediated decay, truncation, or a dysfunctional protein product. This variant is rare in the general population with a frequency below the threshold expected for the associated phenotype(s). Given the available evidence, this variant is classified as Likely Pathogenic.

Baylor Genetics
Classification: Likely pathogenic for Peroxisome biogenesis disorder 6A (Zellweger). Last evaluated: 2024-03-08. Review status: criteria provided, single submitter. Criteria: ACMG Guidelines, 2015. Collection method: clinical testing. Allele origin: unknown.

Labcorp Genetics (formerly Invitae), Labcorp
Classification: Pathogenic for Peroxisome biogenesis disorder, complementation group 7. Last evaluated: 2023-08-04. Review status: criteria provided, single submitter. Criteria: Invitae Variant Classification Sherloc (09022015). Collection method: clinical testing. Allele origin: germline.
Comment: This variant is not present in population databases (gnomAD no frequency). For these reasons, this variant has been classified as Pathogenic. ClinVar contains an entry for this variant (Variation ID: 1360138). This variant has not been reported in the literature in individuals affected with PEX10-related conditions. This sequence change creates a premature translational stop signal (p.Tyr73*) in the PEX10 gene. It is expected to result in an absent or disrupted protein product. Loss-of-function variants in PEX10 are known to be pathogenic (PMID: 9683594, 10862081, 21031596).

Literature cited by the submitters: PubMed 9683594 (cited by Labcorp Genetics (formerly Invitae), Labcorp); PubMed 10862081 (cited by Labcorp Genetics (formerly Invitae), Labcorp); PubMed 21031596 (cited by Labcorp Genetics (formerly Invitae), Labcorp).

NM_002617.4(PEX10):c.219C>G (p.Tyr73Ter)

Gene: PEX10 (peroxisomal biogenesis factor 10; minus strand). Cytogenetic location: 1p36.32.
Variant type: single nucleotide variant.
Coding change: c.219C>G on transcript NM_002617.4 (MANE Select); coding-DNA position 219, C replaced by G.
Protein change: p.Tyr73Ter; replaces tyrosine 73 with a stop codon.
Molecular consequence: nonsense. On other transcripts: 5 prime UTR variant (2), non-coding transcript variant (1).
Genome position (GRCh38, 1-based): chr1:2,408,833, G>C on the plus strand (C>G on the coding strand, the complement: PEX10 is on the minus strand). VCF-style: chr1-2408833-G-C. GRCh37 (hg19) VCF-style: chr1-2340272-G-C.
Other names: c.219C>G, p.Tyr73Ter (NM_001374425.1, NM_153818.2); c.-214C>G (NM_001374426.1, NM_001374427.1); short protein forms Y73*.
Identifiers: ClinVar variation 1360138 (VCV001360138.8), dbSNP rs531987102, ClinGen allele CA337989072.
Genomic context (GRCh38, chr1:2,408,833, plus strand): 5'-GCCACGGCGCAGCGAGGAGGGCACATGTATCCGCGATGGGTCCACCTGGATGATGCTGAC[G>C]TACTCCTCCCCCAGGGTCTGGTAGCCTGCGAGGAAGAGGATGGGTATGTGGACCCTGAGA-3'